The following is an entry in ClinVar:

NM_020631.6(PLEKHG5):c.2335C>T (p.Pro779Ser)

Gene: PLEKHG5 (pleckstrin homology and RhoGEF domain containing G5; minus strand). Cytogenetic location: 1p36.31.
Variant type: single nucleotide variant.
Coding change: c.2335C>T on transcript NM_020631.6 (MANE Select); coding-DNA position 2335, C replaced by T.
Protein change: p.Pro779Ser; replaces proline 779 with serine.
Molecular consequence: missense variant.
Genome position (GRCh38, 1-based): chr1:6,468,501, G>A on the plus strand (C>T on the coding strand, the complement: PLEKHG5 is on the minus strand). VCF-style: chr1-6468501-G-A. GRCh37 (hg19) VCF-style: chr1-6528561-G-A.
Other names: c.2446C>T, p.Pro816Ser (NM_001042663.3, NM_001265592.2); c.2335C>T, p.Pro779Ser (NM_001042664.2, NM_001042665.2, NM_001265594.3 and 1 more transcripts); c.2542C>T, p.Pro848Ser (NM_001265593.2); short protein forms P816S, P848S, P779S.
Identifiers: ClinVar variation 1789767 (VCV001789767.2), dbSNP rs2523119135, ClinGen allele CA338117661.

ClinVar aggregate classification (germline): Uncertain significance (1 of 4 stars; one submission).

Conditions:
Inborn genetic diseases. Identifiers: MedGen C0950123, MeSH D030342.

Allele frequency attached by ClinVar (database versions not stated): gnomAD exomes 0.00001.

Submission:

Ambry Genetics
Classification: Uncertain significance for Inborn genetic diseases. Last evaluated: 2020-12-17. Review status: criteria provided, single submitter. Criteria: Ambry Variant Classification Scheme 2023. Collection method: clinical testing. Allele origin: germline.
Comment: The p.P779S variant (also known as c.2335C>T), located in coding exon 19 of the PLEKHG5 gene, results from a C to T substitution at nucleotide position 2335. The proline at codon 779 is replaced by serine, an amino acid with similar properties. This amino acid position is highly conserved in available vertebrate species. In addition, this alteration is predicted to be tolerated by in silico analysis. Since supporting evidence is limited at this time, the clinical significance of this alteration remains unclear.